The following is an entry in ClinVar:

ClinVar aggregate classification (germline): Likely benign (1 of 4 stars; one submission).

Submission:

CeGaT Center for Human Genetics Tuebingen
Classification: Likely benign. Last evaluated: 2026-07-01. Review status: criteria provided, single submitter. Criteria: CeGaT Center For Human Genetics Tuebingen Variant Classification Criteria Version 2. Collection method: clinical testing. Allele origin: germline. Affected: yes. Observed: 3 variant alleles.
Comment: SCYGR1: BP4, BP7

NM_001395402.1(SCYGR1):c.21A>T (p.Gly7=)

Gene: SCYGR1 (small cysteine and glycine repeat containing 1; minus strand). Cytogenetic location: 2q36.3.
Variant type: single nucleotide variant.
Coding change: c.21A>T on transcript NM_001395402.1 (MANE Select); coding-DNA position 21, A replaced by T.
Protein change: p.Gly7=; no amino-acid change (glycine 7 retained).
Molecular consequence: synonymous variant.
Genome position (GRCh38, 1-based): chr2:227,387,929, T>A on the plus strand (A>T on the coding strand, the complement: SCYGR1 is on the minus strand). VCF-style: chr2-227387929-T-A. GRCh37 (hg19) VCF-style: chr2-228252645-T-A.
Identifiers: ClinVar variation 3341814 (VCV003341814.16).